The following is an entry in ClinVar:

NM_006185.4(NUMA1):c.4840-8G>A

Gene: NUMA1 (nuclear mitotic apparatus protein 1; minus strand). Cytogenetic location: 11q13.4.
Variant type: single nucleotide variant.
Coding change: c.4840-8G>A on transcript NM_006185.4 (MANE Select); 8 bases into the intron before coding-DNA position 4840, G replaced by A.
Molecular consequence: intron variant.
Genome position (GRCh38, 1-based): chr11:72,009,193, C>T on the plus strand (G>A on the coding strand, the complement: NUMA1 is on the minus strand). VCF-style: chr11-72009193-C-T. GRCh37 (hg19) VCF-style: chr11-71720239-C-T.
Other names: c.4798-8G>A (NM_001286561.2).
Identifiers: ClinVar variation 3057603 (VCV003057603.2), dbSNP rs376599223, ClinGen allele CA6166923.

ClinVar aggregate classification (germline): Likely benign (0 of 4 stars; one submission).

Conditions:
NUMA1-related disorder. Also called: NUMA1-related condition.

Allele frequency attached by ClinVar (database versions not stated): TOPMed 0.00006; ESP Exome Variant Server 0.00016; 1000 Genomes Project 0.00020; ExAC 0.00048; gnomAD exomes 0.00063; gnomAD 0.00301.
gnomAD v4.1: 250 of 373,956 alleles (0.067%); highest among the groups gnomAD compares: South Asian, 0.99%; 1 homozygote.

Submission:

PreventionGenetics, part of Exact Sciences
Classification: Likely benign for NUMA1-related condition. Last evaluated: 2019-02-28. Review status: no assertion criteria provided. Collection method: clinical testing. Allele origin: germline.
Comment: This variant is classified as likely benign based on ACMG/AMP sequence variant interpretation guidelines (Richards et al. 2015 PMID: 25741868, with internal and published modifications).